The following is an entry in ClinVar:

ClinVar aggregate classification (germline): Uncertain significance (1 of 4 stars; one submission).

Conditions:
Hypertrophic cardiomyopathy. Also called: HYPERTROPHIC MYOCARDIOPATHY. Identifiers: Orphanet 217569, MedGen C0007194, MeSH D002312, MONDO:0005045, HP:0001639.

Submission:

Labcorp Genetics (formerly Invitae), Labcorp
Classification: Uncertain significance for Hypertrophic cardiomyopathy. Last evaluated: 2021-12-17. Review status: criteria provided, single submitter. Criteria: Invitae Variant Classification Sherloc (09022015). Collection method: clinical testing. Allele origin: germline.
Comment: In summary, the available evidence is currently insufficient to determine the role of this variant in disease. Therefore, it has been classified as a Variant of Uncertain Significance. Algorithms developed to predict the effect of missense changes on protein structure and function are either unavailable or do not agree on the potential impact of this missense change (SIFT: "Tolerated"; PolyPhen-2: "Probably Damaging"; Align-GVGD: "Class C0"). This variant has not been reported in the literature in individuals affected with MYOM1-related conditions. This variant is not present in population databases (gnomAD no frequency). This sequence change replaces asparagine, which is neutral and polar, with serine, which is neutral and polar, at codon 987 of the MYOM1 protein (p.Asn987Ser).

NM_003803.4(MYOM1):c.2960A>G (p.Asn987Ser)

Gene: MYOM1 (myomesin 1; minus strand). Cytogenetic location: 18p11.31.
Variant type: single nucleotide variant.
Coding change: c.2960A>G on transcript NM_003803.4 (MANE Select); coding-DNA position 2960, A replaced by G.
Protein change: p.Asn987Ser; replaces asparagine 987 with serine.
Molecular consequence: missense variant.
Genome position (GRCh38, 1-based): chr18:3,126,732, T>C on the plus strand (A>G on the coding strand, the complement: MYOM1 is on the minus strand). VCF-style: chr18-3126732-T-C. GRCh37 (hg19) VCF-style: chr18-3126730-T-C.
Other names: c.2672A>G, p.Asn891Ser (NM_019856.2); short protein forms N891S, N987S.
Identifiers: ClinVar variation 2045132 (VCV002045132.4), dbSNP rs2079790642, ClinGen allele CA401708375.